The following is an entry in ClinVar:

NM_032348.4(MXRA8):c.121G>A (p.Ala41Thr)

Gene: MXRA8 (matrix remodeling associated 8; minus strand). Cytogenetic location: 1p36.33.
Variant type: single nucleotide variant.
Coding change: c.121G>A on transcript NM_032348.4 (MANE Select); coding-DNA position 121, G replaced by A.
Protein change: p.Ala41Thr; replaces alanine 41 with threonine.
Molecular consequence: missense variant. On other transcripts: intron variant (1).
Genome position (GRCh38, 1-based): chr1:1,355,705, C>T on the plus strand (G>A on the coding strand, the complement: MXRA8 is on the minus strand). VCF-style: chr1-1355705-C-T. GRCh37 (hg19) VCF-style: chr1-1291085-C-T.
Other names: c.121G>A, p.Ala41Thr (NM_001282582.2, NM_001282585.1); c.94G>A, p.Ala32Thr (NM_001282583.2); c.74-360G>A (NM_001282584.2); short protein forms A32T, A41T.
Identifiers: ClinVar variation 3055997 (VCV003055997.2), dbSNP rs181929025, ClinGen allele CA521384.

ClinVar aggregate classification (germline): Benign (0 of 4 stars; one submission).

Conditions:
MXRA8-related disorder. Also called: MXRA8-related condition.

Allele frequency attached by ClinVar (database versions not stated): gnomAD exomes 0.02160; gnomAD 0.04964; TOPMed 0.05231; 1000 Genomes Project 0.05431; ExAC 0.05782; 1000 Genomes Project 30x 0.05903.

Submission:

PreventionGenetics, part of Exact Sciences
Classification: Benign for MXRA8-related condition. Last evaluated: 2019-10-17. Review status: no assertion criteria provided. Collection method: clinical testing. Allele origin: germline.
Comment: This variant is classified as benign based on ACMG/AMP sequence variant interpretation guidelines (Richards et al. 2015 PMID: 25741868, with internal and published modifications).